The following is an entry in ClinVar:

NC_000002.11:g.(?_238233417)_(238305460_?)dup

Gene: COL6A3 (collagen type VI alpha 3 chain; minus strand). Cytogenetic location: 2q37.3.
Variant type: Duplication.
Identifiers: ClinVar variation 3247416 (VCV003247416.1).

ClinVar aggregate classification (germline): Uncertain significance (1 of 4 stars; one submission).

Conditions:
Bethlem myopathy 1A. Also called: MYOPATHY, BENIGN CONGENITAL, WITH CONTRACTURES; Bethlem myopathy 1; Bethlem Muscular Dystrophy. Identifiers: Orphanet 610, MedGen CN029274, MONDO:0024530, OMIM 158810.

Submission:

Labcorp Genetics (formerly Invitae), Labcorp
Classification: Uncertain significance for Bethlem myopathy 1A. Last evaluated: 2023-12-28. Review status: criteria provided, single submitter. Criteria: Invitae Variant Classification Sherloc (09022015). Collection method: clinical testing. Allele origin: unknown.
Comment: A copy number gain of the genomic region encompassing the full coding sequence of the COL6A3 gene has been identified. The boundaries of this event are unknown as they extend beyond the assayed region for this gene and therefore may encompass additional genes. As the precise location of this event is unknown, it may be in tandem or it may be located elsewhere in the genome. This variant has not been reported in the literature in individuals affected with COL6A3-related conditions. Experimental studies and prediction algorithms are not available or were not evaluated, and the functional significance of this variant is currently unknown. In summary, the available evidence is currently insufficient to determine the role of this variant in disease. Therefore, it has been classified as a Variant of Uncertain Significance.